The following is an entry in ClinVar:

NM_018718.3(CEP41):c.653A>C (p.His218Pro)

Gene: CEP41 (centrosomal protein 41; minus strand). Cytogenetic location: 7q32.2.
Variant type: single nucleotide variant.
Coding change: c.653A>C on transcript NM_018718.3 (MANE Select); coding-DNA position 653, A replaced by C.
Protein change: p.His218Pro; replaces histidine 218 with proline.
Molecular consequence: missense variant. On other transcripts: non-coding transcript variant (1).
Genome position (GRCh38, 1-based): chr7:130,400,811, T>G on the plus strand (A>C on the coding strand, the complement: CEP41 is on the minus strand). VCF-style: chr7-130400811-T-G. GRCh37 (hg19) VCF-style: chr7-130040652-T-G.
Other names: c.653A>C, p.His218Pro (NM_001257158.2); c.605A>C, p.His202Pro (NM_001257159.2); short protein forms H202P, H218P.
Identifiers: ClinVar variation 1002436 (VCV001002436.8), dbSNP rs527896814, ClinGen allele CA4485496.
Genomic context (GRCh38, chr7:130,400,811, plus strand): 5'-GTGGTGGCCGCCTGACTGGCCAGCCTTTCATCATCGTCATACAGAATGATGATCTTGCCA[T>G]GGGCATTTTTCTAAGAGTCAGATGAGTTAAGGTTCCAAGGCACTGGGCTGATGTCCCAAG-3'
Protein context (NP_061188.1, residues 208-228): SNDILEYKNA[His218Pro]GKIIILYDDD

ClinVar aggregate classification (germline): Uncertain significance (1 of 4 stars; one submission).

Conditions:
Joubert syndrome 15 (JBTS15). Identifiers: Orphanet 475, MedGen C3280897, MONDO:0013763, OMIM 614464.

Allele frequency attached by ClinVar (database versions not stated): gnomAD 0.00002; TOPMed 0.00002.
gnomAD v4.1: 37 of 1,609,814 alleles (0.0023%); highest among the groups gnomAD compares: Non-Finnish European, 0.0028%; no homozygotes.

Submission:

Labcorp Genetics (formerly Invitae), Labcorp
Classification: Uncertain significance for Joubert syndrome 15. Last evaluated: 2022-07-21. Review status: criteria provided, single submitter. Criteria: Invitae Variant Classification Sherloc (09022015). Collection method: clinical testing. Allele origin: germline.
Comment: ClinVar contains an entry for this variant (Variation ID: 1002436). This variant has not been reported in the literature in individuals affected with CEP41-related conditions. This variant is present in population databases (rs527896814, gnomAD 0.007%). This sequence change replaces histidine, which is basic and polar, with proline, which is neutral and non-polar, at codon 218 of the CEP41 protein (p.His218Pro). Algorithms developed to predict the effect of missense changes on protein structure and function (SIFT, PolyPhen-2, Align-GVGD) all suggest that this variant is likely to be tolerated. In summary, the available evidence is currently insufficient to determine the role of this variant in disease. Therefore, it has been classified as a Variant of Uncertain Significance.